The following is an entry in ClinVar:

ClinVar aggregate classification (germline): Uncertain significance (1 of 4 stars; one submission).

Submission:

Labcorp Genetics (formerly Invitae), Labcorp
Classification: Uncertain significance. Last evaluated: 2022-06-18. Review status: criteria provided, single submitter. Criteria: Invitae Variant Classification Sherloc (09022015). Collection method: clinical testing. Allele origin: germline.
Comment: This sequence change falls in intron 4 of the HPS3 gene. It does not directly change the encoded amino acid sequence of the HPS3 protein. This variant is present in population databases (no rsID available, gnomAD no frequency). This variant has not been reported in the literature in individuals affected with HPS3-related conditions. Algorithms developed to predict the effect of sequence changes on RNA splicing suggest that this variant may disrupt the consensus splice site. In summary, the available evidence is currently insufficient to determine the role of this variant in disease. Therefore, it has been classified as a Variant of Uncertain Significance.

NM_032383.5(HPS3):c.971-31_971-13del

Gene: HPS3 (HPS3 biogenesis of lysosomal organelles complex 2 subunit 1; plus strand). Cytogenetic location: 3q24.
Variant type: Deletion.
Coding change: c.971-31_971-13del on transcript NM_032383.5 (MANE Select); 31 bases into the intron before coding-DNA position 971 through 13 bases into the intron before coding-DNA position 971, 19 bases deleted (GGTGTTTTATTTCTTTCAT).
Molecular consequence: intron variant.
Genome position (GRCh38, 1-based): chr3:149,145,323-149,145,341, GGTGTTTTATTTCTTTCAT deleted; deleting any 19 consecutive bases within chr3:149,145,317-149,145,341 gives the same sequence; the c. name uses the placement nearest the transcript's 3' end. VCF-style (leftmost placement, unchanged base first): chr3-149145316-GTTTCATGGTGTTTTATTTC-G. GRCh37 (hg19) VCF-style: chr3-148863103-GTTTCATGGTGTTTTATTTC-G.
Other names: c.476-31_476-13del (NM_001308258.2).
Identifiers: ClinVar variation 1989792 (VCV001989792.1), dbSNP rs1299369127, ClinGen allele CA546936582.